The following is an entry in ClinVar:

NM_152564.5(VPS13B):c.2720C>T (p.Thr907Ile)

Gene: VPS13B (vacuolar protein sorting 13 homolog B; plus strand). Cytogenetic location: 8q22.2.
Variant type: single nucleotide variant.
Coding change: c.2720C>T on transcript NM_152564.5 (MANE Select); coding-DNA position 2720, C replaced by T.
Protein change: p.Thr907Ile; replaces threonine 907 with isoleucine.
Molecular consequence: missense variant.
Genome position (GRCh38, 1-based): chr8:99,275,150, C>T. VCF-style: chr8-99275150-C-T. GRCh37 (hg19) VCF-style: chr8-100287378-C-T.
Other names: c.2720C>T, p.Thr907Ile (NM_017890.5); short protein forms T907I.
Identifiers: ClinVar variation 3355545 (VCV003355545.2).

ClinVar aggregate classification (germline): Uncertain significance. Review status: criteria provided, single submitter (1 of 4 stars). 2 submissions from 2 submitters: Uncertain significance (1). 1 of the submissions does not count toward it. Last evaluated 2025-11-11.

Conditions:
VPS13B-related disorder. Also called: VPS13B-related condition.

gnomAD v4.1: 1 of 1,612,694 alleles (0.000062%); highest among the groups gnomAD compares: African/African-American, 0.0013%; no homozygotes.

Submissions (2):

Women's Health and Genetics/Laboratory Corporation of America, LabCorp
Classification: Uncertain significance. Last evaluated: 2025-11-11. Review status: criteria provided, single submitter. Criteria: LabCorp Variant Classification Summary - May 2015. Collection method: clinical testing. Allele origin: germline.
Comment: Variant summary: VPS13B c.2720C>T (p.Thr907Ile) results in a non-conservative amino acid change in the encoded protein sequence. Algorithms developed to predict the effect of missense changes on protein structure and function are either unavailable or do not agree on the potential impact of this missense change. The variant was absent in 251212 control chromosomes. The available data on variant occurrences in the general population are insufficient to allow any conclusion about variant significance. To our knowledge, no occurrence of c.2720C>T in individuals affected with VPS13B-related conditions and no experimental evidence demonstrating its impact on protein function have been reported. ClinVar contains an entry for this variant (Variation ID: 3355545). Based on the evidence outlined above, the variant was classified as uncertain significance.

PreventionGenetics, part of Exact Sciences
Classification: Uncertain significance for VPS13B-related condition. Last evaluated: 2023-11-08. Review status: no assertion criteria provided. Collection method: clinical testing. Allele origin: germline. Not counted in ClinVar's aggregate classification.
Comment: The VPS13B c.2720C>T variant is predicted to result in the amino acid substitution p.Thr907Ile. To our knowledge, this variant has not been reported in the literature or in a large population database, indicating this variant is rare. At this time, the clinical significance of this variant is uncertain due to the absence of conclusive functional and genetic evidence.